The following is an entry in ClinVar:

ClinVar aggregate classification (germline): Uncertain significance (1 of 4 stars; one submission).

Conditions:
Cortical dysplasia-focal epilepsy syndrome (PTHSL1). Also called: Pitt-Hopkins-like syndrome 1. Identifiers: Orphanet 163681, Orphanet 221150, MedGen C2750246, MONDO:0012400, OMIM 610042.

Allele frequency attached by ClinVar (database versions not stated): gnomAD exomes below 0.00001; TOPMed 0.00001.
gnomAD v4.1: 1 of 1,614,216 alleles (0.000062%); highest among the groups gnomAD compares: East Asian, 0.0022%; no homozygotes.

Submission:

Labcorp Genetics (formerly Invitae), Labcorp
Classification: Uncertain significance for Cortical dysplasia-focal epilepsy syndrome. Last evaluated: 2022-08-10. Review status: criteria provided, single submitter. Criteria: Invitae Variant Classification Sherloc (09022015). Collection method: clinical testing. Allele origin: germline.
Comment: This sequence change replaces asparagine, which is neutral and polar, with aspartic acid, which is acidic and polar, at codon 1099 of the CNTNAP2 protein (p.Asn1099Asp). This variant is present in population databases (no rsID available, gnomAD 0.006%). This variant has not been reported in the literature in individuals affected with CNTNAP2-related conditions. Algorithms developed to predict the effect of missense changes on protein structure and function (SIFT, PolyPhen-2, Align-GVGD) all suggest that this variant is likely to be tolerated. In summary, the available evidence is currently insufficient to determine the role of this variant in disease. Therefore, it has been classified as a Variant of Uncertain Significance.

NM_014141.6(CNTNAP2):c.3295A>G (p.Asn1099Asp)

Gene: CNTNAP2 (contactin associated protein 2; plus strand). Cytogenetic location: 7q36.1.
Variant type: single nucleotide variant.
Coding change: c.3295A>G on transcript NM_014141.6 (MANE Select); coding-DNA position 3295, A replaced by G.
Protein change: p.Asn1099Asp; replaces asparagine 1099 with aspartic acid.
Molecular consequence: missense variant.
Genome position (GRCh38, 1-based): chr7:148,229,693, A>G. VCF-style: chr7-148229693-A-G. GRCh37 (hg19) VCF-style: chr7-147926785-A-G.
Other names: short protein forms N1099D.
Identifiers: ClinVar variation 2125920 (VCV002125920.1), dbSNP rs1255788165, ClinGen allele CA369929657.